The following is an entry in ClinVar:

ClinVar aggregate classification (germline): Likely benign (0 of 4 stars; one submission).

Conditions:
EPPK1-related disorder. Also called: EPPK1-related condition.

Allele frequency attached by ClinVar (database versions not stated): ExAC 0.00001; gnomAD exomes 0.00001.

Submission:

PreventionGenetics, part of Exact Sciences
Classification: Likely benign for EPPK1-related condition. Last evaluated: 2022-10-13. Review status: no assertion criteria provided. Collection method: clinical testing. Allele origin: germline.
Comment: This variant is classified as likely benign based on ACMG/AMP sequence variant interpretation guidelines (Richards et al. 2015 PMID: 25741868, with internal and published modifications).

NM_031308.4(EPPK1):c.1800C>T (p.Ala600=)

Gene: EPPK1 (epiplakin 1; minus strand). Cytogenetic location: 8q24.3.
Variant type: single nucleotide variant.
Coding change: c.1800C>T on transcript NM_031308.4 (MANE Select); coding-DNA position 1800, C replaced by T.
Protein change: p.Ala600=; no amino-acid change (alanine 600 retained).
Molecular consequence: synonymous variant.
Genome position (GRCh38, 1-based): chr8:143,871,454, G>A on the plus strand (C>T on the coding strand, the complement: EPPK1 is on the minus strand). VCF-style: chr8-143871454-G-A. GRCh37 (hg19) VCF-style: chr8-144945622-G-A.
Identifiers: ClinVar variation 3036933 (VCV003036933.2), dbSNP rs782036759, ClinGen allele CA4923261.